The following is an entry in ClinVar:

NM_005400.3(PRKCE):c.1529G>A (p.Arg510Gln)

Gene: PRKCE (protein kinase C epsilon; plus strand). Cytogenetic location: 2p21.
Variant type: single nucleotide variant.
Coding change: c.1529G>A on transcript NM_005400.3 (MANE Select); coding-DNA position 1529, G replaced by A.
Protein change: p.Arg510Gln; replaces arginine 510 with glutamine.
Molecular consequence: missense variant.
Genome position (GRCh38, 1-based): chr2:46,086,299, G>A. VCF-style: chr2-46086299-G-A. GRCh37 (hg19) VCF-style: chr2-46313438-G-A.
Other names: short protein forms R510Q.
Identifiers: ClinVar variation 2650870 (VCV002650870.24), dbSNP rs74990336, ClinGen allele CA1644227.

ClinVar aggregate classification (germline): Likely benign (1 of 4 stars; one submission).

Allele frequency attached by ClinVar (database versions not stated): 1000 Genomes Project 0.00140; 1000 Genomes Project 30x 0.00141; TOPMed 0.00408; gnomAD 0.00432; ESP Exome Variant Server 0.00443; ExAC 0.00446; gnomAD exomes 0.00551.
gnomAD v4.1: 8,538 of 1,599,648 alleles (0.53%); highest among the groups gnomAD compares: Non-Finnish European, 0.62%; 33 homozygotes.

Submission:

CeGaT Center for Human Genetics Tuebingen
Classification: Likely benign. Last evaluated: 2023-05-01. Review status: criteria provided, single submitter. Criteria: CeGaT Center For Human Genetics Tuebingen Variant Classification Criteria Version 2. Collection method: clinical testing. Allele origin: germline. Affected: yes. Observed: 1 variant allele.
Comment: PRKCE: BS2